The following is an entry in ClinVar:

ClinVar aggregate classification (germline): Pathogenic (0 of 4 stars; one submission).

Conditions:
Intellectual disability. Also called: Intellectual functioning disability; intellectual disabilities; Intellectual developmental disorder. Identifiers: MedGen C3714756, MeSH D008607, MONDO:0001071, HP:0001249.

Submission:

Angen Gene Medicine Technology
Classification: Pathogenic for Intellectual disability. Review status: no assertion criteria provided. Collection method: research. Allele origin: de novo. Inheritance: X-linked dominant inheritance. Affected: yes. Observed: 1 hemizygote.
Comment: PVS1;PM2_supporting;PM6

NM_002024.6(FMR1):c.663del (p.Glu221fs)

Gene: FMR1 (fragile X messenger ribonucleoprotein 1; plus strand). Cytogenetic location: Xq27.3.
Variant type: Deletion.
Coding change: c.663del on transcript NM_002024.6 (MANE Select); coding-DNA position 663, one base deleted (A; older notation c.663delA).
Protein change: p.Glu221fs; shifts the reading frame from glutamic acid 221.
Molecular consequence: frameshift variant. On other transcripts: non-coding transcript variant (2).
Genome position (GRCh38, 1-based): chrX:147,932,457, A deleted; the last of 2 consecutive A bases (chrX:147,932,456-147,932,457); deleting either gives the same sequence. VCF-style (leftmost placement, unchanged base first): chrX-147932455-GA-G. GRCh37 (hg19) VCF-style: chrX-147013974-GA-G.
Other names: c.663del, p.Glu221fs (NM_001185075.2, NM_001185076.2, NM_001185081.2 and 1 more transcripts); c.662delA (NM_002024.6); short protein forms E221fs.
Identifiers: ClinVar variation 1801490 (VCV001801490.2), dbSNP rs2521361687, ClinGen allele CA2580612498.